The following is an entry in ClinVar:

ClinVar aggregate classification (germline): Benign. Review status: criteria provided, single submitter (1 of 4 stars). 2 submissions from 2 submitters: Benign (1). 1 of the submissions does not count toward it. Last evaluated 2025-11-24.

Conditions:
HIVEP2-related disorder. Also called: HIVEP2-related condition.

Allele frequency attached by ClinVar (database versions not stated): 1000 Genomes Project 0.00020; gnomAD 0.00030; ExAC 0.00008; TOPMed 0.00027; gnomAD exomes 0.00001; 1000 Genomes Project 30x 0.00031; ESP Exome Variant Server 0.00017.
gnomAD v4.1: 70 of 1,614,224 alleles (0.0043%); highest among the groups gnomAD compares: African/African-American, 0.085%; no homozygotes.

Submissions (2):

Labcorp Genetics (formerly Invitae), Labcorp
Classification: Benign. Last evaluated: 2025-11-24. Review status: criteria provided, single submitter. Criteria: Invitae Variant Classification Sherloc (09022015). Collection method: clinical testing. Allele origin: germline.

PreventionGenetics, part of Exact Sciences
Classification: Likely benign for HIVEP2-related condition. Last evaluated: 2023-11-10. Review status: no assertion criteria provided. Collection method: clinical testing. Allele origin: germline. Not counted in ClinVar's aggregate classification.
Comment: This variant is classified as likely benign based on ACMG/AMP sequence variant interpretation guidelines (Richards et al. 2015 PMID: 25741868, with internal and published modifications).

NM_006734.4(HIVEP2):c.2003A>T (p.Lys668Met)

Gene: HIVEP2 (HIVEP zinc finger 2; minus strand). Cytogenetic location: 6q24.2.
Variant type: single nucleotide variant.
Coding change: c.2003A>T on transcript NM_006734.4 (MANE Select); coding-DNA position 2003, A replaced by T.
Protein change: p.Lys668Met; replaces lysine 668 with methionine.
Molecular consequence: missense variant.
Genome position (GRCh38, 1-based): chr6:142,772,736, T>A on the plus strand (A>T on the coding strand, the complement: HIVEP2 is on the minus strand). VCF-style: chr6-142772736-T-A. GRCh37 (hg19) VCF-style: chr6-143093873-T-A.
Other names: c.2003A>T (NM_006734.3); short protein forms K668M.
Identifiers: ClinVar variation 2721153 (VCV002721153.5), dbSNP rs370401752, ClinGen allele CA4028497.
Genomic context (GRCh38, chr6:142,772,736, plus strand): 5'-AACATGCTTGGTACTCCCTGCAATGGCACCACGGGATCCATGAAATATTCTCCACCATGC[T>A]TTAAAGAACTCAAGCAGGAAATGTCCCTGTAGTTTTGCTTTGGTGTTTCAGAGTCCTCCC-3'
Protein context (NP_006725.3, residues 658-678): YRDISCLSSL[Lys668Met]HGGEYFMDPV